The following is an entry in ClinVar:

ClinVar aggregate classification (germline): Conflicting classifications of pathogenicity. Review status: criteria provided, conflicting classifications (1 of 4 stars). 9 submissions from 8 submitters: Uncertain significance (8); Likely benign (1). Last evaluated 2026-09-01.

Conditions:
Familial thoracic aortic aneurysm and aortic dissection (TAAD). Also called: Thoracic aortic aneurysms and dissections. Identifiers: Orphanet 91387, MedGen C4707243, MONDO:0019625.
Aortic valve disease 1 (AOVD1). Identifiers: MedGen C3887892, MONDO:0024523, OMIM 109730.
NOTCH1-related disorder. Also called: NOTCH1-related disorders; NOTCH1-related condition.
Adams-Oliver syndrome 5 (AOS5). Identifiers: Orphanet 974, MedGen C4014970, MONDO:0014459, OMIM 616028.

Allele frequency attached by ClinVar (database versions not stated): ExAC 0.00003; gnomAD 0.00001; gnomAD exomes 0.00001 and 0.00002; TOPMed 0.00002.
gnomAD v4.1: 14 of 1,609,716 alleles (0.00087%); highest among the groups gnomAD compares: Middle Eastern, 0.016%; no homozygotes.

Submissions (9):

CeGaT Center for Human Genetics Tuebingen
Classification: Uncertain significance. Last evaluated: 2026-09-01. Review status: criteria provided, single submitter. Criteria: CeGaT Center For Human Genetics Tuebingen Variant Classification Criteria Version 2. Collection method: clinical testing. Allele origin: germline. Affected: yes. Observed: 1 variant allele.
Comment: NOTCH1: PM2:Supporting

Labcorp Genetics (formerly Invitae), Labcorp
Classification: Likely benign for Adams-Oliver syndrome 5. Last evaluated: 2025-12-01. Review status: criteria provided, single submitter. Criteria: Invitae Variant Classification Sherloc (09022015). Collection method: clinical testing. Allele origin: germline.

Ambry Genetics
Classification: Uncertain significance for Familial thoracic aortic aneurysm and aortic dissection. Last evaluated: 2025-03-01. Review status: criteria provided, single submitter. Criteria: Ambry Variant Classification Scheme 2023. Collection method: clinical testing. Allele origin: germline.
Comment: The p.A1552V variant (also known as c.4655C>T), located in coding exon 26 of the NOTCH1 gene, results from a C to T substitution at nucleotide position 4655. The alanine at codon 1552 is replaced by valine, an amino acid with similar properties. This amino acid position is well conserved in available vertebrate species. In addition, the in silico prediction for this alteration is inconclusive. Based on the available evidence, the clinical significance of this variant remains unclear.

GeneDx
Classification: Uncertain significance. Last evaluated: 2024-08-01. Review status: criteria provided, single submitter. Criteria: GeneDx Variant Classification Process June 2021. Collection method: clinical testing. Allele origin: germline. Affected: yes.
Comment: Not observed at significant frequency in large population cohorts (gnomAD); In silico analysis indicates that this missense variant does not alter protein structure/function; Has not been previously published as pathogenic or benign to our knowledge

Daryl Scott Lab, Baylor College of Medicine
Classification: Uncertain significance for NOTCH1-related disorder. Last evaluated: 2024-04-01. Review status: criteria provided, single submitter. Criteria: ACMG Guidelines, 2015. Collection method: clinical testing. Allele origin: paternal. Observed: 1 heterozygote.
Comment: PM2, PP3

Women's Health and Genetics/Laboratory Corporation of America, LabCorp
Classification: Uncertain significance. Last evaluated: 2023-07-31. Review status: criteria provided, single submitter. Criteria: LabCorp Variant Classification Summary - May 2015. Collection method: clinical testing. Allele origin: germline.
Comment: Variant summary: NOTCH1 c.4655C>T (p.Ala1552Val) results in a non-conservative amino acid change located in the Notch domain of the encoded protein sequence. Three of five in-silico tools predict a damaging effect of the variant on protein function. The variant allele was found at a frequency of 1.7e-05 in 239632 control chromosomes. The available data on variant occurrences in the general population are insufficient to allow any conclusion about variant significance. To our knowledge, no occurrence of c.4655C>T in individuals affected with Adams-Oliver Syndrome 5 has been reported. At least one publication reports experimental evidence evaluating an impact on protein function, however, does not allow convincing conclusions about the variant effect. Three submitters have cited clinical-significance assessments for this variant to ClinVar after 2014. All submitters classified the variant as uncertain significance. Based on the evidence outlined above, the variant was classified as uncertain significance.

Genome-Nilou Lab
Classification: Uncertain significance for Adams-Oliver syndrome 5. Last evaluated: 2022-03-15. Review status: criteria provided, single submitter. Criteria: ACMG Guidelines, 2015. Collection method: clinical testing. Allele origin: germline. Affected: no.

Genome-Nilou Lab
Classification: Uncertain significance for Aortic valve disease 1. Last evaluated: 2022-03-15. Review status: criteria provided, single submitter. Criteria: ACMG Guidelines, 2015. Collection method: clinical testing. Allele origin: germline. Affected: no.

Baylor Genetics
Classification: Uncertain significance for Adams-Oliver syndrome 5. Last evaluated: 2018-07-13. Review status: criteria provided, single submitter. Criteria: ACMG Guidelines, 2015. Collection method: clinical testing. Allele origin: paternal. Affected: yes.
Comment: This variant was determined to be of uncertain significance according to ACMG Guidelines, 2015 [PMID:25741868].

Literature cited by the submitters: PubMed 24943832 (cited by Women's Health and Genetics/Laboratory Corporation of America, LabCorp); PubMed 16614245 (cited by Women's Health and Genetics/Laboratory Corporation of America, LabCorp); PubMed 21670202 (cited by Women's Health and Genetics/Laboratory Corporation of America, LabCorp); PubMed 22210878 (cited by Women's Health and Genetics/Laboratory Corporation of America, LabCorp); PubMed 19635999 (cited by Women's Health and Genetics/Laboratory Corporation of America, LabCorp); PubMed 26837699 (cited by Women's Health and Genetics/Laboratory Corporation of America, LabCorp); PubMed 23086750 (cited by Women's Health and Genetics/Laboratory Corporation of America, LabCorp); PubMed 19245433 (cited by Women's Health and Genetics/Laboratory Corporation of America, LabCorp); PubMed 22077063 (cited by Women's Health and Genetics/Laboratory Corporation of America, LabCorp); PubMed 15472075 (cited by Women's Health and Genetics/Laboratory Corporation of America, LabCorp); PubMed 23734977 (cited by Women's Health and Genetics/Laboratory Corporation of America, LabCorp); PubMed 22858860 (cited by Women's Health and Genetics/Laboratory Corporation of America, LabCorp); PubMed 25104330 (cited by Women's Health and Genetics/Laboratory Corporation of America, LabCorp).

NM_017617.5(NOTCH1):c.4655C>T (p.Ala1552Val)

Gene: NOTCH1 (notch receptor 1; minus strand). Cytogenetic location: 9q34.3.
Variant type: single nucleotide variant.
Coding change: c.4655C>T on transcript NM_017617.5 (MANE Select); coding-DNA position 4655, C replaced by T.
Protein change: p.Ala1552Val; replaces alanine 1552 with valine.
Molecular consequence: missense variant.
Genome position (GRCh38, 1-based): chr9:136,505,036, G>A on the plus strand (C>T on the coding strand, the complement: NOTCH1 is on the minus strand). VCF-style: chr9-136505036-G-A. GRCh37 (hg19) VCF-style: chr9-139399488-G-A.
Other names: c.4655C>T, p.Ala1552Val (LRG_1122t1); c.4655C>T (NM_017617.4); short protein forms A1552V.
Identifiers: ClinVar variation 664604 (VCV000664604.15), dbSNP rs748862853, ClinGen allele CA5340545.